The following is an entry in ClinVar:

NM_004370.6(COL12A1):c.7888G>A (p.Val2630Met)

Gene: COL12A1 (collagen type XII alpha 1 chain; minus strand). Cytogenetic location: 6q13.
Variant type: single nucleotide variant.
Coding change: c.7888G>A on transcript NM_004370.6 (MANE Select); coding-DNA position 7888, G replaced by A.
Protein change: p.Val2630Met; replaces valine 2630 with methionine.
Molecular consequence: missense variant.
Genome position (GRCh38, 1-based): chr6:75,113,266, C>T on the plus strand (G>A on the coding strand, the complement: COL12A1 is on the minus strand). VCF-style: chr6-75113266-C-T. GRCh37 (hg19) VCF-style: chr6-75822982-C-T.
Other names: c.7888G>A, p.Val2630Met (NM_001424113.1); c.7867G>A, p.Val2623Met (NM_001424114.1); c.7615G>A, p.Val2539Met (NM_001424115.1); c.4396G>A, p.Val1466Met (NM_001424116.1, NM_080645.3); short protein forms V2539M, V1466M, V2623M, V2630M.
Identifiers: ClinVar variation 2926614 (VCV002926614.4), dbSNP rs2533165064, ClinGen allele CA364743713.

ClinVar aggregate classification (germline): Uncertain significance. Review status: criteria provided, multiple submitters, no conflicts (2 of 4 stars). 2 submissions from 2 submitters: Uncertain significance (2). Last evaluated 2026-04-15.

Conditions:
Bethlem myopathy 2 (BTHLM2). Identifiers: Orphanet 536516, Orphanet 610, MedGen C4225313, MONDO:0034022, OMIM 616471.
Ullrich congenital muscular dystrophy 2 (UCMD2). Identifiers: Orphanet 75840, MedGen C4225314, MONDO:0014654, OMIM 616470.

Allele frequency attached by ClinVar (database versions not stated): gnomAD exomes below 0.00001.

Submissions (2):

Women's Health and Genetics/Laboratory Corporation of America, LabCorp
Classification: Uncertain significance. Last evaluated: 2026-04-15. Review status: criteria provided, single submitter. Criteria: LabCorp Variant Classification Summary - May 2015. Collection method: clinical testing. Allele origin: germline.
Comment: Variant summary: COL12A1 c.7888G>A (p.Val2630Met) results in a conservative amino acid change in the encoded protein sequence. Algorithms developed to predict the effect of missense changes on protein structure and function all suggest that this variant is likely to be tolerated. The variant was absent in 215754 control chromosomes. The available data on variant occurrences in the general population are insufficient to allow any conclusion about variant significance. To our knowledge, no occurrence of c.7888G>A in individuals affected with COL12A1-related conditions and no experimental evidence demonstrating its impact on protein function have been reported. ClinVar contains an entry for this variant (Variation ID: 2926614). Based on the evidence outlined above, the variant was classified as uncertain significance.

Labcorp Genetics (formerly Invitae), Labcorp
Classification: Uncertain significance for Bethlem myopathy 2; Ullrich congenital muscular dystrophy 2. Last evaluated: 2025-05-18. Review status: criteria provided, single submitter. Criteria: Invitae Variant Classification Sherloc (09022015). Collection method: clinical testing. Allele origin: germline.
Comment: This sequence change replaces valine, which is neutral and non-polar, with methionine, which is neutral and non-polar, at codon 2630 of the COL12A1 protein (p.Val2630Met). This variant is not present in population databases (gnomAD no frequency). This variant has not been reported in the literature in individuals affected with COL12A1-related conditions. ClinVar contains an entry for this variant (Variation ID: 2926614). Invitae Evidence Modeling of protein sequence and biophysical properties (such as structural, functional, and spatial information, amino acid conservation, physicochemical variation, residue mobility, and thermodynamic stability) indicates that this missense variant is not expected to disrupt COL12A1 protein function with a negative predictive value of 80%. In summary, the available evidence is currently insufficient to determine the role of this variant in disease. Therefore, it has been classified as a Variant of Uncertain Significance.